The following is an entry in ClinVar:

NM_002972.4(SBF1):c.3919G>A (p.Val1307Ile)

Gene: SBF1 (SET binding factor 1; minus strand). Cytogenetic location: 22q13.33.
Variant type: single nucleotide variant.
Coding change: c.3919G>A on transcript NM_002972.4 (MANE Select); coding-DNA position 3919, G replaced by A.
Protein change: p.Val1307Ile; replaces valine 1307 with isoleucine.
Molecular consequence: missense variant.
Genome position (GRCh38, 1-based): chr22:50,456,659, C>T on the plus strand (G>A on the coding strand, the complement: SBF1 is on the minus strand). VCF-style: chr22-50456659-C-T. GRCh37 (hg19) VCF-style: chr22-50895088-C-T.
Other names: c.3844G>A, p.Val1282Ile (NM_001365819.1); c.3922G>A, p.Val1308Ile (NM_001410794.1); c.3841G>A, p.Val1281Ile (NM_001410795.1); c.3919G>A, p.Val1307Ile (NM_197971.1); short protein forms V1281I, V1282I, V1308I, V1307I.
Identifiers: ClinVar variation 1911762 (VCV001911762.26), dbSNP rs1166856162, ClinGen allele CA412200794.

ClinVar aggregate classification (germline): Uncertain significance. Review status: criteria provided, multiple submitters, no conflicts (2 of 4 stars). 2 submissions from 2 submitters: Uncertain significance (2). Last evaluated 2023-10-01.

Allele frequency attached by ClinVar (database versions not stated): gnomAD 0.00001; TOPMed 0.00001.
gnomAD v4.1: 7 of 1,483,172 alleles (0.00047%); highest among the groups gnomAD compares: South Asian, 0.0042%; no homozygotes.

Submissions (2):

CeGaT Center for Human Genetics Tuebingen
Classification: Uncertain significance. Last evaluated: 2023-10-01. Review status: criteria provided, single submitter. Criteria: CeGaT Center For Human Genetics Tuebingen Variant Classification Criteria Version 2. Collection method: clinical testing. Allele origin: germline. Affected: yes. Observed: 1 variant allele.
Comment: SBF1: PM2

Labcorp Genetics (formerly Invitae), Labcorp
Classification: Uncertain significance. Last evaluated: 2022-03-25. Review status: criteria provided, single submitter. Criteria: Invitae Variant Classification Sherloc (09022015). Collection method: clinical testing. Allele origin: germline.
Comment: This sequence change replaces valine, which is neutral and non-polar, with isoleucine, which is neutral and non-polar, at codon 1307 of the SBF1 protein (p.Val1307Ile). The frequency data for this variant in the population databases is considered unreliable, as metrics indicate poor data quality at this position in the gnomAD database. This variant has not been reported in the literature in individuals affected with SBF1-related conditions. Algorithms developed to predict the effect of missense changes on protein structure and function output the following: SIFT: "Tolerated"; PolyPhen-2: "Benign"; Align-GVGD: "Class C0". The isoleucine amino acid residue is found in multiple mammalian species, which suggests that this missense change does not adversely affect protein function. In summary, the available evidence is currently insufficient to determine the role of this variant in disease. Therefore, it has been classified as a Variant of Uncertain Significance.